The following is an entry in ClinVar:

NM_000138.5(FBN1):c.8447A>G (p.His2816Arg)

Gene: FBN1 (fibrillin 1; minus strand). Cytogenetic location: 15q21.1.
Variant type: single nucleotide variant.
Coding change: c.8447A>G on transcript NM_000138.5 (MANE Select); coding-DNA position 8447, A replaced by G.
Protein change: p.His2816Arg; replaces histidine 2816 with arginine.
Molecular consequence: missense variant.
Genome position (GRCh38, 1-based): chr15:48,411,159, T>C on the plus strand (A>G on the coding strand, the complement: FBN1 is on the minus strand). VCF-style: chr15-48411159-T-C. GRCh37 (hg19) VCF-style: chr15-48703356-T-C.
Other names: short protein forms H2816R.
Identifiers: ClinVar variation 519779 (VCV000519779.5), dbSNP rs1555393532, ClinGen allele CA392319013.
Genomic context (GRCh38, chr15:48,411,159, plus strand): 5'-AGTGGAGTACTACTGATTTGTAATGAATAGGTTCCAGCCACTGGCTTCTTCTTTGTGAAG[T>C]GGAGGTAGCTGATCCCTTCCTTTTGGTTGATTTTAAAGAAGCCATCTTCATTTCCAGATT-3'
Protein context (NP_000129.3, residues 2806-2826): INQKEGISYL[His2816Arg]FTKKKPVAGT

ClinVar aggregate classification (germline): Uncertain significance (1 of 4 stars; one submission).

Conditions:
Familial thoracic aortic aneurysm and aortic dissection (TAAD). Also called: Thoracic aortic aneurysms and dissections. Identifiers: Orphanet 91387, MedGen C4707243, MONDO:0019625.

Allele frequency attached by ClinVar (database versions not stated): gnomAD exomes below 0.00001.
gnomAD v4.1: 1 of 1,614,138 alleles (0.000062%); highest among the groups gnomAD compares: Middle Eastern, 0.016%; no homozygotes.

Submission:

Ambry Genetics
Classification: Uncertain significance for Familial thoracic aortic aneurysm and aortic dissection. Last evaluated: 2017-08-24. Review status: criteria provided, single submitter. Criteria: Ambry Variant Classification Scheme 2023. Collection method: clinical testing. Allele origin: germline.
Comment: The p.H2816R variant (also known as c.8447A>G), located in coding exon 65 of the FBN1 gene, results from an A to G substitution at nucleotide position 8447. The histidine at codon 2816 is replaced by arginine, an amino acid with highly similar properties. This amino acid position is well conserved in available vertebrate species; however, arginine is the reference amino acid in other vertebrate species. In addition, this alteration is predicted to be deleterious by in silico analysis. Since supporting evidence is limited at this time, the clinical significance of this alteration remains unclear.